The following is an entry in ClinVar:

ClinVar aggregate classification (germline): Uncertain significance (1 of 4 stars; one submission).

Submission:

Labcorp Genetics (formerly Invitae), Labcorp
Classification: Uncertain significance. Last evaluated: 2022-04-25. Review status: criteria provided, single submitter. Criteria: Invitae Variant Classification Sherloc (09022015). Collection method: clinical testing. Allele origin: germline.
Comment: This sequence change replaces proline, which is neutral and non-polar, with histidine, which is basic and polar, at codon 1602 of the NBAS protein (p.Pro1602His). This variant is not present in population databases (gnomAD no frequency). This variant has not been reported in the literature in individuals affected with NBAS-related conditions. Algorithms developed to predict the effect of missense changes on protein structure and function (SIFT, PolyPhen-2, Align-GVGD) all suggest that this variant is likely to be disruptive. In summary, the available evidence is currently insufficient to determine the role of this variant in disease. Therefore, it has been classified as a Variant of Uncertain Significance.

NM_015909.4(NBAS):c.4805C>A (p.Pro1602His)

Gene: NBAS (NBAS subunit of NRZ tethering complex; minus strand). Cytogenetic location: 2p24.3.
Variant type: single nucleotide variant.
Coding change: c.4805C>A on transcript NM_015909.4 (MANE Select); coding-DNA position 4805, C replaced by A.
Protein change: p.Pro1602His; replaces proline 1602 with histidine.
Molecular consequence: missense variant. On other transcripts: non-coding transcript variant (1).
Genome position (GRCh38, 1-based): chr2:15,292,759, G>T on the plus strand (C>A on the coding strand, the complement: NBAS is on the minus strand). VCF-style: chr2-15292759-G-T. GRCh37 (hg19) VCF-style: chr2-15432883-G-T.
Other names: short protein forms P1602H.
Identifiers: ClinVar variation 1467424 (VCV001467424.8), dbSNP rs2148113324, ClinGen allele CA345890448.